The following is an entry in ClinVar:

NM_001098626.2(ZNF98):c.1089C>T (p.Ser363=)

Gene: ZNF98 (zinc finger protein 98; minus strand). Cytogenetic location: 19p12.
Variant type: single nucleotide variant.
Coding change: c.1089C>T on transcript NM_001098626.2 (MANE Select); coding-DNA position 1089, C replaced by T.
Protein change: p.Ser363=; no amino-acid change (serine 363 retained).
Molecular consequence: synonymous variant.
Genome position (GRCh38, 1-based): chr19:22,392,146, G>A on the plus strand (C>T on the coding strand, the complement: ZNF98 is on the minus strand). VCF-style: chr19-22392146-G-A. GRCh37 (hg19) VCF-style: chr19-22574948-G-A.
Identifiers: ClinVar variation 2649651 (VCV002649651.24), dbSNP rs200579498, ClinGen allele CA9344371.
Genomic context (GRCh38, chr19:22,392,146, plus strand): 5'-ACATTCTTCACACTTGTAGGGTTTCTCTCCAGAATGAATTCTCTTATGTGTAGTAAGGTG[G>A]GATAACCGGCTAAAGGCCTTACCACATTCTTCACATTTGTAGAATTTCTCTCCAGTATGA-3'
Protein context (NP_001092096.1, residues 353-373): EECGKAFSRL[Ser363=]HLTTHKRIHS

ClinVar aggregate classification (germline): Likely benign (1 of 4 stars; one submission).

Allele frequency attached by ClinVar (database versions not stated): 1000 Genomes Project 30x 0.00234; 1000 Genomes Project 0.00300; ESP Exome Variant Server 0.00485; gnomAD 0.00512; TOPMed 0.00520; gnomAD exomes 0.00557; ExAC 0.00559.
gnomAD v4.1: 8,975 of 1,597,702 alleles (0.56%); highest among the groups gnomAD compares: Middle Eastern, 3%; 36 homozygotes.

Submission:

CeGaT Center for Human Genetics Tuebingen
Classification: Likely benign. Last evaluated: 2022-12-01. Review status: criteria provided, single submitter. Criteria: CeGaT Center For Human Genetics Tuebingen Variant Classification Criteria Version 2. Collection method: clinical testing. Allele origin: germline. Affected: yes. Observed: 1 variant allele.
Comment: ZNF98: BP4, BP7, BS2